The following is an entry in ClinVar:

ClinVar aggregate classification (germline): Pathogenic (1 of 4 stars; one submission).

Conditions:
Severe combined immunodeficiency due to DCLRE1C deficiency (RS-SCID). Also called: SCID, AUTOSOMAL RECESSIVE, T CELL-NEGATIVE, B CELL-NEGATIVE, NK CELL-POSITIVE, WITH SENSITIVITY TO IONIZING RADIATION. Identifiers: Orphanet 275, MedGen C1865371, MONDO:0011225, OMIM 602450.

Submission:

Labcorp Genetics (formerly Invitae), Labcorp
Classification: Pathogenic for Athabaskan severe combined immunodeficiency. Last evaluated: 2023-04-14. Review status: criteria provided, single submitter. Criteria: Invitae Variant Classification Sherloc (09022015). Collection method: clinical testing. Allele origin: unknown.
Comment: For these reasons, this variant has been classified as Pathogenic. This variant disrupts a region of the DCLRE1C protein in which other variant(s) (p.Thr557Asnfs*21) have been determined to be pathogenic (PMID: 26476407). This suggests that this is a clinically significant region of the protein, and that variants that disrupt it are likely to be disease-causing. This variant has not been reported in the literature in individuals affected with DCLRE1C-related conditions. This variant is a gross deletion of the genomic region encompassing exon(s) 4-14 of the DCLRE1C gene, which includes the termination codon. This deletion extends beyond the assayed region for this gene and therefore may encompass additional genes. While this deletion is not anticipated to lead to nonsense mediated decay, it is expected to alter mRNA translation or result in a truncated protein product.

Literature cited by the submitters: PubMed 26476407.

NC_000010.10:g.(?_14950407)_(14981888_?)del

Gene: DCLRE1C (DNA cross-link repair 1C; minus strand). Cytogenetic location: 10p13.
Variant type: Deletion.
Identifiers: ClinVar variation 3244872 (VCV003244872.1).